The following is an entry in ClinVar:

ClinVar aggregate classification (germline): Likely benign (1 of 4 stars; one submission).

Allele frequency attached by ClinVar (database versions not stated): TOPMed below 0.00001; gnomAD 0.00001; gnomAD exomes 0.00001.
gnomAD v4.1: 6 of 1,613,530 alleles (0.00037%); highest among the groups gnomAD compares: Non-Finnish European, 0.00051%; no homozygotes.

Submission:

GeneDx
Classification: Likely benign. Last evaluated: 2017-08-14. Review status: criteria provided, single submitter. Criteria: GeneDx Variant Classification (06012015). Collection method: clinical testing. Allele origin: germline. Affected: yes.
Comment: This variant is considered likely benign or benign based on one or more of the following criteria: it is a conservative change, it occurs at a poorly conserved position in the protein, it is predicted to be benign by multiple in silico algorithms, and/or has population frequency not consistent with disease.

NM_003283.6(TNNT1):c.310-4C>A

Gene: TNNT1 (troponin T1, slow skeletal type; minus strand). Cytogenetic location: 19q13.42.
Variant type: single nucleotide variant.
Coding change: c.310-4C>A on transcript NM_003283.6 (MANE Select); 4 bases into the intron before coding-DNA position 310, C replaced by A.
Molecular consequence: intron variant.
Genome position (GRCh38, 1-based): chr19:55,140,964, G>T on the plus strand (C>A on the coding strand, the complement: TNNT1 is on the minus strand). VCF-style: chr19-55140964-G-T. GRCh37 (hg19) VCF-style: chr19-55652332-G-T.
Other names: c.277-4C>A (NM_001126133.3, NM_001291774.2); c.310-4C>A (NM_001126132.3).
Identifiers: ClinVar variation 511380 (VCV000511380.1), dbSNP rs1322730617, ClinGen allele CA658799311.